The following is an entry in ClinVar:

ClinVar aggregate classification (germline): Uncertain significance. Review status: criteria provided, multiple submitters, no conflicts (2 of 4 stars). 5 submissions from 5 submitters: Uncertain significance (3). 2 of the submissions do not count toward it. Last evaluated 2023-04-17.

Conditions:
Inborn genetic diseases. Identifiers: MedGen C0950123, MeSH D030342.

Allele frequency attached by ClinVar (database versions not stated): gnomAD 0.00015 and 0.00016; 1000 Genomes Project 30x 0.00016; ESP Exome Variant Server 0.00016; TOPMed 0.00017; 1000 Genomes Project 0.00020.
gnomAD v4.1: 185 of 1,607,784 alleles (0.012%); highest among the groups gnomAD compares: African/African-American, 0.029%; no homozygotes.

Submissions (5):

Ambry Genetics
Classification: Uncertain significance for Inborn genetic diseases. Last evaluated: 2023-04-17. Review status: criteria provided, single submitter. Criteria: Ambry Variant Classification Scheme 2023. Collection method: clinical testing. Allele origin: germline.

GeneDx
Classification: Uncertain significance. Last evaluated: 2022-12-07. Review status: criteria provided, single submitter. Criteria: GeneDx Variant Classification Process June 2021. Collection method: clinical testing. Allele origin: germline. Affected: yes.
Comment: In silico analysis supports that this missense variant does not alter protein structure/function; Has not been previously published as pathogenic or benign to our knowledge

Labcorp Genetics (formerly Invitae), Labcorp
Classification: Uncertain significance. Last evaluated: 2022-04-21. Review status: criteria provided, single submitter. Criteria: Invitae Variant Classification Sherloc (09022015). Collection method: clinical testing. Allele origin: germline.
Comment: This sequence change replaces valine, which is neutral and non-polar, with methionine, which is neutral and non-polar, at codon 627 of the TSPEAR protein (p.Val627Met). This variant is present in population databases (rs374953227, gnomAD 0.03%). This variant has not been reported in the literature in individuals affected with TSPEAR-related conditions. ClinVar contains an entry for this variant (Variation ID: 1205875). Algorithms developed to predict the effect of missense changes on protein structure and function are either unavailable or do not agree on the potential impact of this missense change (SIFT: "Deleterious"; PolyPhen-2: "Probably Damaging"; Align-GVGD: "Class C0"). In summary, the available evidence is currently insufficient to determine the role of this variant in disease. Therefore, it has been classified as a Variant of Uncertain Significance.

Clinical Genetics DNA and cytogenetics Diagnostics Lab, Erasmus MC, Erasmus Medical Center
Classification: Uncertain significance. Review status: no assertion criteria provided. Collection method: clinical testing. Allele origin: germline. Affected: yes. Study: VKGL Data-share Consensus. Not counted in ClinVar's aggregate classification.

Laboratory of Diagnostic Genome Analysis, Leiden University Medical Center (LUMC)
Classification: Uncertain significance. Review status: no assertion criteria provided. Collection method: clinical testing. Allele origin: germline. Affected: yes. Study: VKGL Data-share Consensus. Not counted in ClinVar's aggregate classification.

NM_144991.3(TSPEAR):c.1879G>A (p.Val627Met)

Gene: TSPEAR (thrombospondin type laminin G domain and EAR repeats; minus strand). Cytogenetic location: 21q22.3.
Variant type: single nucleotide variant.
Coding change: c.1879G>A on transcript NM_144991.3 (MANE Select); coding-DNA position 1879, G replaced by A.
Protein change: p.Val627Met; replaces valine 627 with methionine.
Molecular consequence: missense variant.
Genome position (GRCh38, 1-based): chr21:44,499,914, C>T on the plus strand (G>A on the coding strand, the complement: TSPEAR is on the minus strand). VCF-style: chr21-44499914-C-T. GRCh37 (hg19) VCF-style: chr21-45919797-C-T.
Other names: c.1675G>A, p.Val559Met (NM_001272037.2); short protein forms V559M, V627M.
Identifiers: ClinVar variation 1205875 (VCV001205875.7), dbSNP rs374953227, ClinGen allele CA10056272.
Genomic context (GRCh38, chr21:44,499,914, plus strand): 5'-CCGTGGTGCTGAAGGCCTCCCAGTCCCTGCAGCCGACGGTGGGGAGGCTGTGCACCGCCA[C>T]GAAGCCCTCGTAGCCCTGCCACCTGCGGAACAGACAGCGGCAGCCGGGTCAGCCTGGGCT-3'
Protein context (NP_659428.2, residues 617-637): IYRWQGYEGF[Val627Met]AVHSLPTVGC